The following is an entry in ClinVar:

ClinVar aggregate classification (germline): Pathogenic. Review status: criteria provided, multiple submitters, no conflicts (2 of 4 stars). 2 submissions from 2 submitters: Pathogenic (2). Last evaluated 2025-12-03.

Conditions:
Leigh syndrome (NULS). Also called: Leigh's syndrome; Leigh's necrotizing encephalopathy; Leigh's disease; LEIGH SYNDROME, NUCLEAR; Leigh Syndrome (mtDNA deletion); Leigh Disease. Identifiers: Orphanet 506, MedGen C2931891, MONDO:0009723, OMIM 256000.

Submissions (2):

Labcorp Genetics (formerly Invitae), Labcorp
Classification: Pathogenic for Leigh syndrome. Last evaluated: 2025-12-03. Review status: criteria provided, single submitter. Criteria: Invitae Variant Classification Sherloc (09022015). Collection method: clinical testing. Allele origin: germline.
Comment: This sequence change creates a premature translational stop signal (p.Lys186Serfs*4) in the SURF1 gene. It is expected to result in an absent or disrupted protein product. Loss-of-function variants in SURF1 are known to be pathogenic (PMID: 10443880, 22488715, 24027061). This variant is present in population databases (no rsID available, gnomAD 0.0009%). This premature translational stop signal has been observed in individuals with Leigh syndrome (PMID: 22488715). ClinVar contains an entry for this variant (Variation ID: 847821). Algorithms developed to predict the effect of sequence changes on RNA splicing suggest that this variant may disrupt the consensus splice site. For these reasons, this variant has been classified as Pathogenic.

GeneDx
Classification: Pathogenic. Last evaluated: 2021-03-15. Review status: criteria provided, single submitter. Criteria: GeneDx Variant Classification Process June 2021. Collection method: clinical testing. Allele origin: germline. Affected: yes.
Comment: Frameshift variant predicted to result in protein truncation or nonsense mediated decay in a gene for which loss-of-function is a known mechanism of disease; Not observed at a significant frequency in large population cohorts (Lek et al., 2016); This variant is associated with the following publications: (PMID: 22488715)

Literature cited by the submitters: PubMed 10443880 (cited by Labcorp Genetics (formerly Invitae), Labcorp); PubMed 22488715 (cited by Labcorp Genetics (formerly Invitae), Labcorp); PubMed 24027061 (cited by Labcorp Genetics (formerly Invitae), Labcorp).

NM_003172.4(SURF1):c.555_556del (p.Lys186fs)

Gene: SURF1 (SURF1 cytochrome c oxidase assembly factor; minus strand). Cytogenetic location: 9q34.2.
Variant type: Deletion.
Coding change: c.555_556del on transcript NM_003172.4 (MANE Select); coding-DNA positions 555 to 556, 2 bases deleted (GA; older notation c.555_556delGA).
Protein change: p.Lys186fs; shifts the reading frame from lysine 186.
Molecular consequence: frameshift variant.
Genome position (GRCh38, 1-based): chr9:133,352,726-133,352,727, TC deleted on the plus strand (GA on the coding strand, the reverse complement: SURF1 is on the minus strand); deleting any 2 consecutive bases within chr9:133,352,726-133,352,728 gives the same sequence; the c. name uses the placement nearest the transcript's 3' end. VCF-style (leftmost placement, unchanged base first): chr9-133352725-TTC-T. GRCh37 (hg19) VCF-style: chr9-136219580-TTC-T.
Other names: c.228_229del, p.Lys77fs (NM_001280787.1); short protein forms K186fs, K77fs.
Identifiers: ClinVar variation 847821 (VCV000847821.12), dbSNP rs1363125797, ClinGen allele CA860708377.